The following is an entry in ClinVar:

ClinVar aggregate classification (germline): Uncertain significance (1 of 4 stars; one submission).

Allele frequency attached by ClinVar (database versions not stated): gnomAD exomes below 0.00001; ExAC 0.00001.
gnomAD v4.1: 5 of 1,589,258 alleles (0.00031%); highest among the groups gnomAD compares: Non-Finnish European, 0.00026%; no homozygotes.

Submission:

Labcorp Genetics (formerly Invitae), Labcorp
Classification: Uncertain significance. Last evaluated: 2024-10-22. Review status: criteria provided, single submitter. Criteria: Invitae Variant Classification Sherloc (09022015). Collection method: clinical testing. Allele origin: germline.
Comment: This sequence change replaces arginine, which is basic and polar, with glycine, which is neutral and non-polar, at codon 69 of the FAR1 protein (p.Arg69Gly). The frequency data for this variant in the population databases is considered unreliable, as metrics indicate poor data quality at this position in the gnomAD database. This variant has not been reported in the literature in individuals affected with FAR1-related conditions. ClinVar contains an entry for this variant (Variation ID: 1991251). Invitae Evidence Modeling of protein sequence and biophysical properties (such as structural, functional, and spatial information, amino acid conservation, physicochemical variation, residue mobility, and thermodynamic stability) has been performed for this missense variant. However, the output from this modeling did not meet the statistical confidence thresholds required to predict the impact of this variant on FAR1 protein function. In summary, the available evidence is currently insufficient to determine the role of this variant in disease. Therefore, it has been classified as a Variant of Uncertain Significance.

NM_032228.6(FAR1):c.205A>G (p.Arg69Gly)

Gene: FAR1 (fatty acyl-CoA reductase 1; plus strand). Cytogenetic location: 11p15.3.
Variant type: single nucleotide variant.
Coding change: c.205A>G on transcript NM_032228.6 (MANE Select); coding-DNA position 205, A replaced by G.
Protein change: p.Arg69Gly; replaces arginine 69 with glycine.
Molecular consequence: missense variant.
Genome position (GRCh38, 1-based): chr11:13,700,332, A>G. VCF-style: chr11-13700332-A-G. GRCh37 (hg19) VCF-style: chr11-13721879-A-G.
Other names: short protein forms R69G.
Identifiers: ClinVar variation 1991251 (VCV001991251.4), dbSNP rs770071264, ClinGen allele CA5893276.